The following is an entry in ClinVar:

NM_002354.3(EPCAM):c.333C>T (p.Asn111=)

Gene: EPCAM (epithelial cell adhesion molecule; plus strand). Cytogenetic location: 2p21.
Variant type: single nucleotide variant.
Coding change: c.333C>T on transcript NM_002354.3 (MANE Select); coding-DNA position 333, C replaced by T.
Protein change: p.Asn111=; no amino-acid change (asparagine 111 retained).
Molecular consequence: synonymous variant.
Genome position (GRCh38, 1-based): chr2:47,373,956, C>T. VCF-style: chr2-47373956-C-T. GRCh37 (hg19) VCF-style: chr2-47601095-C-T.
Identifiers: ClinVar variation 1730393 (VCV001730393.4), dbSNP rs533825372, ClinGen allele CA1648955.

ClinVar aggregate classification (germline): Likely benign. Review status: criteria provided, multiple submitters, no conflicts (2 of 4 stars). 2 submissions from 2 submitters: Likely benign (2). Last evaluated 2026-05-01.

Conditions:
Hereditary cancer-predisposing syndrome. Also called: Hereditary neoplastic syndrome; Tumor predisposition; Neoplastic Syndromes, Hereditary; Hereditary Cancer Syndrome. Identifiers: Orphanet 140162, MedGen C0027672, MeSH D009386, MONDO:0015356.

Allele frequency attached by ClinVar (database versions not stated): gnomAD 0.00005; TOPMed 0.00010; 1000 Genomes Project 30x 0.00016; 1000 Genomes Project 0.00020.
gnomAD v4.1: 30 of 1,614,000 alleles (0.0019%); highest among the groups gnomAD compares: African/African-American, 0.024%; no homozygotes.

Submissions (2):

CeGaT Center for Human Genetics Tuebingen
Classification: Likely benign. Last evaluated: 2026-05-01. Review status: criteria provided, single submitter. Criteria: CeGaT Center For Human Genetics Tuebingen Variant Classification Criteria Version 2. Collection method: clinical testing. Allele origin: germline. Affected: yes. Observed: 1 variant allele.
Comment: EPCAM: BP4, BP7

Ambry Genetics
Classification: Likely benign for Hereditary cancer-predisposing syndrome. Last evaluated: 2022-03-08. Review status: criteria provided, single submitter. Criteria: Ambry Variant Classification Scheme 2023. Collection method: clinical testing. Allele origin: germline.